The following is an entry in ClinVar:

NM_001009923.2:c.422G>T

Gene: TMEM230 (transmembrane protein 230; minus strand).
Variant type: single nucleotide variant.
Other names: p.Arg141Leu.
Identifiers: ClinVar variation 4542376 (VCV004542376.1).

ClinVar aggregate classification (germline): Uncertain significance (1 of 4 stars; one submission).

Submission:

Mayo Clinic Laboratories, Mayo Clinic
Classification: Uncertain significance. Last evaluated: 2025-04-17. Review status: criteria provided, single submitter. Criteria: ACMG Guidelines, 2015. Collection method: clinical testing. Allele origin: germline. Observed: 1 variant allele.
Comment: PP1_strong, PS3

Literature cited by the submitters: PubMed 27270108; PubMed 30460091.